The following is an entry in ClinVar:

ClinVar aggregate classification (germline): Uncertain significance (1 of 4 stars; one submission).

Allele frequency attached by ClinVar (database versions not stated): TOPMed below 0.00001.

Submission:

Labcorp Genetics (formerly Invitae), Labcorp
Classification: Uncertain significance. Last evaluated: 2022-03-28. Review status: criteria provided, single submitter. Criteria: Invitae Variant Classification Sherloc (09022015). Collection method: clinical testing. Allele origin: germline.
Comment: This sequence change replaces glycine, which is neutral and non-polar, with glutamic acid, which is acidic and polar, at codon 18 of the MPLKIP protein (p.Gly18Glu). This variant is not present in population databases (gnomAD no frequency). This variant has not been reported in the literature in individuals affected with MPLKIP-related conditions. Algorithms developed to predict the effect of missense changes on protein structure and function are either unavailable or do not agree on the potential impact of this missense change (SIFT: "Deleterious"; PolyPhen-2: "Not Available"; Align-GVGD: "Class C0"). In summary, the available evidence is currently insufficient to determine the role of this variant in disease. Therefore, it has been classified as a Variant of Uncertain Significance.

NM_138701.4(MPLKIP):c.53G>A (p.Gly18Glu)

Gene: MPLKIP (M-phase specific PLK1 interacting protein; minus strand). Cytogenetic location: 7p14.1.
Variant type: single nucleotide variant.
Coding change: c.53G>A on transcript NM_138701.4 (MANE Select); coding-DNA position 53, G replaced by A.
Protein change: p.Gly18Glu; replaces glycine 18 with glutamic acid.
Molecular consequence: missense variant.
Genome position (GRCh38, 1-based): chr7:40,134,515, C>T on the plus strand (G>A on the coding strand, the complement: MPLKIP is on the minus strand). VCF-style: chr7-40134515-C-T. GRCh37 (hg19) VCF-style: chr7-40174114-C-T.
Other names: short protein forms G18E.
Identifiers: ClinVar variation 1962828 (VCV001962828.2), dbSNP rs1787560636, ClinGen allele CA367308889.